The following is an entry in ClinVar:

NM_176787.5(PIGN):c.1077C>G (p.Ser359Arg)

Gene: PIGN (phosphatidylinositol glycan anchor biosynthesis class N; minus strand). Cytogenetic location: 18q21.33.
Variant type: single nucleotide variant.
Coding change: c.1077C>G on transcript NM_176787.5 (MANE Select); coding-DNA position 1077, C replaced by G.
Protein change: p.Ser359Arg; replaces serine 359 with arginine.
Molecular consequence: missense variant.
Genome position (GRCh38, 1-based): chr18:62,139,022, G>C on the plus strand (C>G on the coding strand, the complement: PIGN is on the minus strand). VCF-style: chr18-62139022-G-C. GRCh37 (hg19) VCF-style: chr18-59806255-G-C.
Other names: c.1077C>G, p.Ser359Arg (NM_012327.6); short protein forms S359R.
Identifiers: ClinVar variation 1691660 (VCV001691660.8), dbSNP rs2147147064, ClinGen allele CA402607780.
Genomic context (GRCh38, chr18:62,139,022, plus strand): 5'-CTTTTTGAATTTTTTTTTTACCTTGAACTGTTCAAGAATCTGTACTGCATTTGTAAACAT[G>C]CTCTCTGCTTTGAAGAGATCAGTGTTGTTAAGATAATCCACAGGAAGGATTCCCTGAAAA-3'
Protein context (NP_789744.1, residues 349-369): LNNTDLFKAE[Ser359Arg]MFTNAVQILE

ClinVar aggregate classification (germline): Conflicting classifications of pathogenicity. Review status: criteria provided, conflicting classifications (1 of 4 stars). 2 submissions from 2 submitters: Likely pathogenic (1); Uncertain significance (1). Last evaluated 2026-07-21.

Conditions:
Multiple congenital anomalies-hypotonia-seizures syndrome 1 (MCAHS1). Also called: PIGN-CDG; GLYCOSYLPHOSPHATIDYLINOSITOL BIOSYNTHESIS DEFECT 3; Congenital disorder of glycosylation due to PIGN deficiency. Identifiers: Orphanet 280633, MedGen C3279775, MONDO:0013563, OMIM 614080.

Submissions (2):

GeneDx
Classification: Likely pathogenic. Last evaluated: 2026-07-21. Review status: criteria provided, single submitter. Criteria: GeneDx Variant Classification Process June 2021. Collection method: clinical testing. Allele origin: germline.
Comment: Not observed at significant frequency in large population cohorts (gnomAD); In silico analysis supports that this missense variant has a deleterious effect on protein structure/function; Has not been previously published as pathogenic or benign to our knowledge

Labcorp Genetics (formerly Invitae), Labcorp
Classification: Uncertain significance for Multiple congenital anomalies-hypotonia-seizures syndrome 1. Last evaluated: 2023-04-08. Review status: criteria provided, single submitter. Criteria: Invitae Variant Classification Sherloc (09022015). Collection method: clinical testing. Allele origin: germline.
Comment: In summary, the available evidence is currently insufficient to determine the role of this variant in disease. Therefore, it has been classified as a Variant of Uncertain Significance. Advanced modeling of protein sequence and biophysical properties (such as structural, functional, and spatial information, amino acid conservation, physicochemical variation, residue mobility, and thermodynamic stability) performed at Invitae indicates that this missense variant is expected to disrupt PIGN protein function. ClinVar contains an entry for this variant (Variation ID: 1691660). This variant has not been reported in the literature in individuals affected with PIGN-related conditions. This variant is not present in population databases (gnomAD no frequency). This sequence change replaces serine, which is neutral and polar, with arginine, which is basic and polar, at codon 359 of the PIGN protein (p.Ser359Arg).